The following is an entry in ClinVar:

NM_006231.4(POLE):c.2090C>A (p.Pro697His)

Gene: POLE (DNA polymerase epsilon, catalytic subunit; minus strand). Cytogenetic location: 12q24.33.
Variant type: single nucleotide variant.
Coding change: c.2090C>A on transcript NM_006231.4 (MANE Select); coding-DNA position 2090, C replaced by A.
Protein change: p.Pro697His; replaces proline 697 with histidine.
Molecular consequence: missense variant.
Genome position (GRCh38, 1-based): chr12:132,668,439, G>T on the plus strand (C>A on the coding strand, the complement: POLE is on the minus strand). VCF-style: chr12-132668439-G-T. GRCh37 (hg19) VCF-style: chr12-133245025-G-T.
Other names: short protein forms P697H.
Identifiers: ClinVar variation 473508 (VCV000473508.16), dbSNP rs36120395, ClinGen allele CA6893685.

ClinVar aggregate classification (germline): Conflicting classifications of pathogenicity. Review status: criteria provided, conflicting classifications (1 of 4 stars). 5 submissions from 5 submitters: Uncertain significance (4); Likely benign (1). Last evaluated 2025-09-29.

Conditions:
Colorectal cancer, susceptibility to, 12 (CRCS12). Also called: COLORECTAL CANCER, SUSCEPTIBILITY TO, ON CHROMOSOME 12q24. Identifiers: Orphanet 220460, MedGen C3554460, MONDO:0014038, OMIM 615083.
Hereditary cancer-predisposing syndrome. Also called: Neoplastic Syndromes, Hereditary; Tumor predisposition; Hereditary Cancer Syndrome; Hereditary neoplastic syndrome. Identifiers: Orphanet 140162, MedGen C0027672, MeSH D009386, MONDO:0015356.

Allele frequency attached by ClinVar (database versions not stated): TOPMed 0.00002.
gnomAD v4.1: 9 of 1,612,806 alleles (0.00056%); highest among the groups gnomAD compares: Admixed American, 0.01%; no homozygotes.

Submissions (5):

Labcorp Genetics (formerly Invitae), Labcorp
Classification: Uncertain significance. Last evaluated: 2025-09-29. Review status: criteria provided, single submitter. Criteria: Invitae Variant Classification Sherloc (09022015). Collection method: clinical testing. Allele origin: germline.
Comment: This sequence change replaces proline, which is neutral and non-polar, with histidine, which is basic and polar, at codon 697 of the POLE protein (p.Pro697His). This variant is present in population databases (rs36120395, gnomAD 0.02%). This variant has not been reported in the literature in individuals affected with POLE-related conditions. ClinVar contains an entry for this variant (Variation ID: 473508). Invitae Evidence Modeling of protein sequence and biophysical properties (such as structural, functional, and spatial information, amino acid conservation, physicochemical variation, residue mobility, and thermodynamic stability) indicates that this missense variant is expected to disrupt POLE protein function with a positive predictive value of 80%. In summary, the available evidence is currently insufficient to determine the role of this variant in disease. Therefore, it has been classified as a Variant of Uncertain Significance.

Ambry Genetics
Classification: Likely benign for Hereditary cancer-predisposing syndrome. Last evaluated: 2024-12-06. Review status: criteria provided, single submitter. Criteria: Ambry Variant Classification Scheme 2023. Collection method: clinical testing. Allele origin: germline.

GeneDx
Classification: Uncertain significance. Last evaluated: 2023-08-02. Review status: criteria provided, single submitter. Criteria: GeneDx Variant Classification Process June 2021. Collection method: clinical testing. Allele origin: germline. Affected: yes.
Comment: In silico analysis supports that this missense variant has a deleterious effect on protein structure/function; Has not been previously published as pathogenic or benign to our knowledge; This variant is associated with the following publications: (PMID: 29056344, 20951805)

Baylor Genetics
Classification: Uncertain significance for Colorectal cancer, susceptibility to, 12. Last evaluated: 2020-11-25. Review status: criteria provided, single submitter. Criteria: ACMG Guidelines, 2015. Collection method: clinical testing. Allele origin: unknown. Affected: yes. Study: CSER-TexasKidsCanSeq.
Comment: This variant was determined to be of uncertain significance according to ACMG Guidelines, 2015 [PMID:25741868].

Quest Diagnostics Nichols Institute San Juan Capistrano
Classification: Uncertain significance. Last evaluated: 2019-04-19. Review status: criteria provided, single submitter. Criteria: Quest Diagnostics criteria. Collection method: clinical testing. Allele origin: germline.